The following is an entry in ClinVar:

ClinVar aggregate classification (germline): Uncertain significance (1 of 4 stars; one submission).

Conditions:
Immunodeficiency 104. Also called: IMMUNODEFICIENCY 104, SEVERE COMBINED; Severe combined immunodeficiency, autosomal recessive, T cell-negative, B cell-positive, NK cell-positive; Severe Combined Immune Deficiency, Autosomal Recessive, TCell -Negative, B Cell-Positive, NK Cell-Positive, IL7R-Related; SCID, AUTOSOMAL RECESSIVE, T CELL-NEGATIVE, B CELL-POSITIVE, NK CELL-POSITIVE. Identifiers: MedGen C5676890, MONDO:0012163, OMIM 608971.

Allele frequency attached by ClinVar (database versions not stated): gnomAD 0.00007 and 0.00008; TOPMed 0.00009; ExAC 0.00012; gnomAD exomes 0.00013; ESP Exome Variant Server 0.00015; 1000 Genomes Project 30x 0.00016; 1000 Genomes Project 0.00020.
gnomAD v4.1: 69 of 1,613,850 alleles (0.0043%); highest among the groups gnomAD compares: Admixed American, 0.03%; no homozygotes.

Submissions (2):

Labcorp Genetics (formerly Invitae), Labcorp
Classification: Uncertain significance for Immunodeficiency 104. Last evaluated: 2022-08-16. Review status: criteria provided, single submitter. Criteria: Invitae Variant Classification Sherloc (09022015). Collection method: clinical testing. Allele origin: germline.
Comment: This sequence change replaces arginine, which is basic and polar, with histidine, which is basic and polar, at codon 540 of the PTPRC protein (p.Arg540His). This variant is present in population databases (rs140422357, gnomAD 0.04%). This variant has not been reported in the literature in individuals affected with PTPRC-related conditions. ClinVar contains an entry for this variant (Variation ID: 1437833). Algorithms developed to predict the effect of missense changes on protein structure and function output the following: SIFT: "Tolerated"; PolyPhen-2: "Benign"; Align-GVGD: "Class C0". The histidine amino acid residue is found in multiple mammalian species, which suggests that this missense change does not adversely affect protein function. In summary, the available evidence is currently insufficient to determine the role of this variant in disease. Therefore, it has been classified as a Variant of Uncertain Significance.

Dr. Peter K. Rogan Lab, Western University
No classification provided (evidence only). Condition: Gastric cancer. Review status: no classification provided. Collection method: in vitro. Allele origin: not applicable. Functional consequence: retained intron. Not counted in ClinVar's aggregate classification.

NM_002838.5(PTPRC):c.1619G>A (p.Arg540His)

Gene: PTPRC (protein tyrosine phosphatase receptor type C; plus strand). Cytogenetic location: 1q32.1.
Variant type: single nucleotide variant.
Coding change: c.1619G>A on transcript NM_002838.5 (MANE Select); coding-DNA position 1619, G replaced by A.
Protein change: p.Arg540His; replaces arginine 540 with histidine.
Molecular consequence: missense variant.
Genome position (GRCh38, 1-based): chr1:198,718,262, G>A. VCF-style: chr1-198718262-G-A. GRCh37 (hg19) VCF-style: chr1-198687391-G-A.
Other names: c.1136G>A, p.Arg379His (NM_080921.4); short protein forms R379H, R540H.
Identifiers: ClinVar variation 1437833 (VCV001437833.6), dbSNP rs140422357, ClinGen allele CA1314838.